The following is an entry in ClinVar:

NM_006939.4(SOS2):c.345+7A>G

Gene: SOS2 (SOS Ras/Rho guanine nucleotide exchange factor 2; minus strand). Cytogenetic location: 14q21.3.
Variant type: single nucleotide variant.
Coding change: c.345+7A>G on transcript NM_006939.4 (MANE Select); 7 bases into the intron after coding-DNA position 345, A replaced by G.
Molecular consequence: intron variant.
Genome position (GRCh38, 1-based): chr14:50,200,946, T>C on the plus strand (A>G on the coding strand, the complement: SOS2 is on the minus strand). VCF-style: chr14-50200946-T-C. GRCh37 (hg19) VCF-style: chr14-50667664-T-C.
Identifiers: ClinVar variation 2177186 (VCV002177186.5), dbSNP rs1478883232, ClinGen allele CA613839895.

ClinVar aggregate classification (germline): Likely benign. Review status: criteria provided, multiple submitters, no conflicts (2 of 4 stars). 2 submissions from 2 submitters: Likely benign (2). Last evaluated 2025-12-21.

Conditions:
Noonan syndrome 9 (NS9). Identifiers: Orphanet 648, MedGen C4225282, MONDO:0014691, OMIM 616559.

Allele frequency attached by ClinVar (database versions not stated): gnomAD exomes 0.00001.
gnomAD v4.1: 4 of 1,613,372 alleles (0.00025%); highest among the groups gnomAD compares: African/African-American, 0.0013%; no homozygotes.

Submissions (2):

Labcorp Genetics (formerly Invitae), Labcorp
Classification: Likely benign for Noonan syndrome 9. Last evaluated: 2025-12-21. Review status: criteria provided, single submitter. Criteria: Invitae Variant Classification Sherloc (09022015). Collection method: clinical testing. Allele origin: germline.

Women's Health and Genetics/Laboratory Corporation of America, LabCorp
Classification: Likely benign. Last evaluated: 2025-05-12. Review status: criteria provided, single submitter. Criteria: LabCorp Variant Classification Summary - May 2015. Collection method: clinical testing. Allele origin: germline.
Comment: Variant summary: SOS2 c.345+7A>G alters a nucleotide located at a position not widely known to affect splicing. Consensus agreement among computation tools predict no significant impact on normal splicing. However, these predictions have yet to be confirmed by functional studies. The variant allele was found at a frequency of 4e-06 in 251266 control chromosomes. The available data on variant occurrences in the general population are insufficient to allow any conclusion about variant significance. To our knowledge, no occurrence of c.345+7A>G in individuals affected with Noonan Syndrome and no experimental evidence demonstrating its impact on protein function have been reported. ClinVar contains an entry for this variant (Variation ID: 2177186). Based on the evidence outlined above, the variant was classified as likely benign.